The following is an entry in ClinVar:

ClinVar aggregate classification (germline): Uncertain significance. Review status: criteria provided, multiple submitters, no conflicts (2 of 4 stars). 2 submissions from 2 submitters: Uncertain significance (2). Last evaluated 2025-05-13.

Conditions:
Primary ciliary dyskinesia. Also called: Ciliary dyskinesia. Identifiers: Orphanet 244, MedGen C0008780, MONDO:0016575, HP:0012265.

Allele frequency attached by ClinVar (database versions not stated): ExAC 0.00005; gnomAD 0.00005 and 0.00007.
gnomAD v4.1: 67 of 1,588,888 alleles (0.0042%); highest among the groups gnomAD compares: South Asian, 0.014%; 1 homozygote.

Submissions (2):

Ambry Genetics
Classification: Uncertain significance. Last evaluated: 2025-05-13. Review status: criteria provided, single submitter. Criteria: Ambry Variant Classification Scheme 2023. Collection method: clinical testing. Allele origin: germline.

Labcorp Genetics (formerly Invitae), Labcorp
Classification: Uncertain significance for Primary ciliary dyskinesia. Last evaluated: 2022-07-19. Review status: criteria provided, single submitter. Criteria: Invitae Variant Classification Sherloc (09022015). Collection method: clinical testing. Allele origin: germline.
Comment: This sequence change replaces alanine, which is neutral and non-polar, with threonine, which is neutral and polar, at codon 473 of the DNAH8 protein (p.Ala473Thr). This variant is present in population databases (rs776772658, gnomAD 0.01%). This variant has not been reported in the literature in individuals affected with DNAH8-related conditions. ClinVar contains an entry for this variant (Variation ID: 1040020). Algorithms developed to predict the effect of missense changes on protein structure and function are either unavailable or do not agree on the potential impact of this missense change (SIFT: "Tolerated"; PolyPhen-2: "Not Available"; Align-GVGD: "Class C0"). In summary, the available evidence is currently insufficient to determine the role of this variant in disease. Therefore, it has been classified as a Variant of Uncertain Significance.

NM_001206927.2(DNAH8):c.1417G>A (p.Ala473Thr)

Genes: DNAH8 (dynein axonemal heavy chain 8; plus strand), LOC126859668 (P300/CBP strongly-dependent group 1 enhancer GRCh37_chr6:38723390-38724589; plus strand). Cytogenetic location: 6p21.2.
Variant type: single nucleotide variant.
Coding change: c.1417G>A on transcript NM_001206927.2 (MANE Select); coding-DNA position 1417, G replaced by A.
Protein change: p.Ala473Thr; replaces alanine 473 with threonine.
Molecular consequence: missense variant.
Genome position (GRCh38, 1-based): chr6:38,755,981, G>A. VCF-style: chr6-38755981-G-A. GRCh37 (hg19) VCF-style: chr6-38723757-G-A.
Other names: c.1417G>A (NM_001206927.1); c.766G>A, p.Ala256Thr (NM_001371.4); short protein forms A256T, A473T.
Identifiers: ClinVar variation 1040020 (VCV001040020.17), dbSNP rs776772658, ClinGen allele CA3788228.